The following is an entry in ClinVar:

ClinVar aggregate classification (germline): Uncertain significance (1 of 4 stars; one submission).

Conditions:
Breast-ovarian cancer, familial, susceptibility to, 2 (BROVCA2). Also called: BRCA2 Hereditary Breast and Ovarian Cancer. Identifiers: Orphanet 145, MedGen C2675520, MONDO:0012933, OMIM 612555. Disease mechanism: loss of function.

gnomAD v4.1: 1 of 1,614,074 alleles (0.000062%); highest among the groups gnomAD compares: South Asian, 0.0011%; no homozygotes.

Submission:

Cancer Bioinformatics and Tumour Evolution Laboratory, Monash University
Classification: Uncertain significance for Breast-ovarian cancer, familial, susceptibility to, 2. Last evaluated: 2026-05-01. Review status: criteria provided, single submitter. Criteria: ClinGen BRCA1 and BRCA2 Guidelines, 2024. Collection method: curation. Allele origin: germline. Inheritance: Autosomal dominant inheritance.
Comment: The variant is not in a functional domain, but it has a predicted spliceAI impact in the intermediate range (Acceptor Gain score of 0.17 at 32 bp). Hence no evidence codes can be applied.

NM_000059.4(BRCA2):c.9854C>T (p.Pro3285Leu)

Gene: BRCA2 (BRCA2 DNA repair associated; plus strand). Cytogenetic location: 13q13.1.
Variant type: single nucleotide variant.
Coding change: c.9854C>T on transcript NM_000059.4 (MANE Select); coding-DNA position 9854, C replaced by T.
Protein change: p.Pro3285Leu; replaces proline 3285 with leucine.
Molecular consequence: missense variant. On other transcripts: non-coding transcript variant (1).
Genome position (GRCh38, 1-based): chr13:32,398,367, C>T. VCF-style: chr13-32398367-C-T. GRCh37 (hg19) VCF-style: chr13-32972504-C-T.
Other names: c.9758C>T, p.Pro3253Leu (NM_001406719.1); c.9803C>T, p.Pro3268Leu (NM_001406720.1); c.4922C>T, p.Pro1641Leu (NM_001406721.1); c.3437C>T, p.Pro1146Leu (NM_001406722.1); c.9854C>T, p.Pro3285Leu (NM_001432077.1); short protein forms P1146L, P1641L, P3253L, P3268L, P3285L.
Identifiers: ClinVar variation 4856598 (VCV004856598.1).